The following is an entry in ClinVar:

NM_001379081.2(FREM1):c.4941C>T (p.Tyr1647=)

Gene: FREM1 (FRAS1 related extracellular matrix 1; minus strand). Cytogenetic location: 9p22.3.
Variant type: single nucleotide variant.
Coding change: c.4941C>T on transcript NM_001379081.2 (MANE Select); coding-DNA position 4941, C replaced by T.
Protein change: p.Tyr1647=; no amino-acid change (tyrosine 1647 retained).
Molecular consequence: synonymous variant. On other transcripts: non-coding transcript variant (2).
Genome position (GRCh38, 1-based): chr9:14,770,723, G>A on the plus strand (C>T on the coding strand, the complement: FREM1 is on the minus strand). VCF-style: chr9-14770723-G-A. GRCh37 (hg19) VCF-style: chr9-14770721-G-A.
Other names: c.549C>T, p.Tyr183= (NM_001177704.3, NM_001370058.2, NM_001370061.2); c.4941C>T, p.Tyr1647= (NM_144966.7).
Identifiers: ClinVar variation 912681 (VCV000912681.13), dbSNP rs373880888, ClinGen allele CA4989958.

ClinVar aggregate classification (germline): Benign/Likely benign. Review status: criteria provided, multiple submitters, no conflicts (2 of 4 stars). 4 submissions from 4 submitters: Benign (1); Likely benign (3). Last evaluated 2026-01-25.

Conditions:
Oculotrichoanal syndrome (MOTA). Also called: MARLES SYNDROME; Manitoba Oculotrichoanal (MOTA) Syndrome. Identifiers: Orphanet 2717, MedGen C1855425, MONDO:0009560, OMIM 248450.
BNAR syndrome. Also called: Bifid Nose With or Without Anorectal and Renal Anomalies (BNAR) Syndrome. Identifiers: Orphanet 217266, MedGen C2750433, MONDO:0012165, OMIM 608980.
Trigonocephaly 2 (TRIGNO2). Identifiers: Orphanet 3366, MedGen C3280974, MONDO:0013774, OMIM 614485.

Allele frequency attached by ClinVar (database versions not stated): ESP Exome Variant Server 0.00008; gnomAD 0.00020 and 0.00032; TOPMed 0.00029; 1000 Genomes Project 30x 0.00141; 1000 Genomes Project 0.00180.
gnomAD v4.1: 495 of 1,613,334 alleles (0.031%); highest among the groups gnomAD compares: South Asian, 0.44%; 4 homozygotes.

Submissions (4):

Labcorp Genetics (formerly Invitae), Labcorp
Classification: Benign. Last evaluated: 2026-01-25. Review status: criteria provided, single submitter. Criteria: Invitae Variant Classification Sherloc (09022015). Collection method: clinical testing. Allele origin: germline.

Blueprint Genetics
Classification: Likely benign. Last evaluated: 2024-06-27. Review status: criteria provided, single submitter. Criteria: ACMG Guidelines, 2015. Collection method: clinical testing. Allele origin: germline.

Fulgent Genetics
Classification: Likely benign for Oculotrichoanal syndrome; BNAR syndrome; Trigonocephaly 2. Last evaluated: 2021-11-17. Review status: criteria provided, single submitter. Criteria: ACMG Guidelines, 2015. Collection method: clinical testing. Allele origin: unknown.

Illumina Laboratory Services, Illumina
Classification: Likely benign for Oculotrichoanal syndrome. Last evaluated: 2018-01-12. Review status: criteria provided, single submitter. Criteria: ICSL Variant Classification Criteria 13 December 2019. Collection method: clinical testing. Allele origin: germline.
Comment: This variant was observed in the ICSL laboratory as part of a predisposition screen in an ostensibly healthy population. It had not been previously curated by ICSL or reported in the Human Gene Mutation Database (HGMD: prior to June 1st, 2018), and was therefore a candidate for classification through an automated scoring system. Utilizing variant allele frequency, disease prevalence and penetrance estimates, and inheritance mode, an automated score was calculated to assess if this variant is too frequent to cause the disease. Based on the score and internal cut-off values, a variant classified as likely benign is not then subjected to further curation. The score for this variant resulted in a classification of likely benign for this disease.